The following is an entry in ClinVar:

ClinVar aggregate classification (germline): Uncertain significance (1 of 4 stars; one submission).

Conditions:
Myofibrillar myopathy 3 (MFM3). Also called: Muscular dystrophy, proximal, type 1A; Autosomal dominant spheroid body myopathy. Identifiers: Orphanet 266, Orphanet 268129, MedGen C3714934, MONDO:0012215, OMIM 609200.

Submission:

Labcorp Genetics (formerly Invitae), Labcorp
Classification: Uncertain significance for Myofibrillar myopathy 3. Last evaluated: 2026-01-04. Review status: criteria provided, single submitter. Criteria: Invitae Variant Classification Sherloc (09022015). Collection method: clinical testing. Allele origin: germline.
Comment: This sequence change replaces threonine, which is neutral and polar, with serine, which is neutral and polar, at codon 87 of the MYOT protein (p.Thr87Ser). This variant is not present in population databases (gnomAD no frequency). This variant has not been reported in the literature in individuals affected with MYOT-related conditions. Invitae Evidence Modeling of protein sequence and biophysical properties (such as structural, functional, and spatial information, amino acid conservation, physicochemical variation, residue mobility, and thermodynamic stability) indicates that this missense variant is not expected to disrupt MYOT protein function with a negative predictive value of 80%. In summary, the available evidence is currently insufficient to determine the role of this variant in disease. Therefore, it has been classified as a Variant of Uncertain Significance.

NM_006790.3(MYOT):c.259A>T (p.Thr87Ser)

Genes: MYOT (myotilin; plus strand), PKD2L2-DT (PKD2L2 divergent transcript; minus strand). Cytogenetic location: 5q31.2.
Variant type: single nucleotide variant.
Coding change: c.259A>T on transcript NM_006790.3 (MANE Select); coding-DNA position 259, A replaced by T.
Protein change: p.Thr87Ser; replaces threonine 87 with serine.
Molecular consequence: missense variant. On other transcripts: 5 prime UTR variant (1), intron variant (1).
Genome position (GRCh38, 1-based): chr5:137,870,910, A>T. VCF-style: chr5-137870910-A-T. GRCh37 (hg19) VCF-style: chr5-137206599-A-T.
Other names: c.-87A>T (NM_001300911.2); c.-197+385A>T (NM_001135940.2); short protein forms T87S.
Identifiers: ClinVar variation 4738939 (VCV004738939.1).